The following is an entry in ClinVar:

ClinVar aggregate classification (germline): Likely pathogenic (1 of 4 stars; one submission).

Conditions:
Werner syndrome (WRN). Identifiers: Orphanet 902, MedGen C0043119, MONDO:0010196, OMIM 277700.

Submission:

Labcorp Genetics (formerly Invitae), Labcorp
Classification: Likely pathogenic for Werner syndrome. Last evaluated: 2022-11-20. Review status: criteria provided, single submitter. Criteria: Invitae Variant Classification Sherloc (09022015). Collection method: clinical testing. Allele origin: germline.
Comment: This variant is not present in population databases (gnomAD no frequency). In summary, the currently available evidence indicates that the variant is pathogenic, but additional data are needed to prove that conclusively. Therefore, this variant has been classified as Likely Pathogenic. Algorithms developed to predict the effect of sequence changes on RNA splicing suggest that this variant may disrupt the consensus splice site. This variant has not been reported in the literature in individuals affected with WRN-related conditions. This sequence change affects an acceptor splice site in intron 29 of the WRN gene. It is expected to disrupt RNA splicing. Variants that disrupt the donor or acceptor splice site typically lead to a loss of protein function (PMID: 16199547), and loss-of-function variants in WRN are known to be pathogenic (PMID: 16673358).

Literature cited by the submitters: PubMed 16199547; PubMed 16673358.

NM_000553.6(WRN):c.3460-1G>C

Gene: WRN (WRN RecQ like helicase; plus strand). Cytogenetic location: 8p12.
Variant type: single nucleotide variant.
Coding change: c.3460-1G>C on transcript NM_000553.6 (MANE Select); the canonical splice acceptor site of the intron before coding-DNA position 3460, G replaced by C.
Molecular consequence: splice acceptor variant.
Genome position (GRCh38, 1-based): chr8:31,147,363, G>C. VCF-style: chr8-31147363-G-C. GRCh37 (hg19) VCF-style: chr8-31004879-G-C.
Identifiers: ClinVar variation 2815501 (VCV002815501.3), dbSNP rs1802899166, ClinGen allele CA370925622.